The following is an entry in ClinVar:

NM_001267550.2(TTN):c.63273T>C (p.Asp21091=)

Genes: TTN (titin; minus strand), TTN-AS1 (TTN antisense RNA 1; plus strand). Cytogenetic location: 2q31.2.
Variant type: single nucleotide variant.
Coding change: c.63273T>C on transcript NM_001267550.2 (MANE Select); coding-DNA position 63273, T replaced by C.
Protein change: p.Asp21091=; no amino-acid change (aspartic acid 21091 retained).
Molecular consequence: synonymous variant.
Genome position (GRCh38, 1-based): chr2:178,588,134, A>G on the plus strand (T>C on the coding strand, the complement: TTN is on the minus strand). VCF-style: chr2-178588134-A-G. GRCh37 (hg19) VCF-style: chr2-179452861-A-G.
Other names: c.58350T>C, p.Asp19450= (NM_001256850.1); c.36078T>C, p.Asp12026= (NM_003319.4); c.55569T>C, p.Asp18523= (NM_133378.4); c.36453T>C, p.Asp12151= (NM_133432.3); c.36654T>C, p.Asp12218= (NM_133437.4).
Identifiers: ClinVar variation 195923 (VCV000195923.61), dbSNP rs374168580, ClinGen allele CA242614.

ClinVar aggregate classification (germline): Conflicting classifications of pathogenicity. Review status: criteria provided, conflicting classifications (1 of 4 stars). 19 submissions from 15 submitters: Uncertain significance (4); Benign (4); Likely benign (7). 4 of the submissions do not count toward it. Last evaluated 2026-08-01.

Conditions:
TTN-related disorder. Also called: TTN-related disorders; TTN-related condition; TTN-related disease.
Autosomal recessive limb-girdle muscular dystrophy type 2J (LGMDR10). Also called: Limb-girdle muscular dystrophy, type 2J; MUSCULAR DYSTROPHY, LIMB-GIRDLE, AUTOSOMAL RECESSIVE 10. Identifiers: Orphanet 140922, MedGen C1837342, MONDO:0012127, OMIM 608807.
Dilated cardiomyopathy 1G (CMD1G). Identifiers: Orphanet 154, MedGen C1858763, MONDO:0011400, OMIM 604145.
Cardiomyopathy (CMYO). Also called: Cardiomyopathies. Identifiers: Orphanet 167848, MedGen C0878544, MONDO:0004994, HP:0001638. Inheritance: Various modes of inheritance.
Early-onset myopathy with fatal cardiomyopathy (CMYO5). Also called: Salih Myopathy; CONGENITAL MYOPATHY 5 WITH CARDIOMYOPATHY. Identifiers: Orphanet 289377, MedGen C2673677, MONDO:0012714, OMIM 611705. Disease mechanism: loss of function.
Myopathy, myofibrillar, 9, with early respiratory failure (MFM9). Also called: Myopathy, distal, with early respiratory failure, autosomal dominant; EDSTROM MYOPATHY; MYOPATHY, PROXIMAL, WITH EARLY RESPIRATORY MUSCLE INVOLVEMENT; Hereditary myopathy with early respiratory failure. Identifiers: Orphanet 178464, Orphanet 34521, MedGen C1863599, MONDO:0011362, OMIM 603689.
Tibial muscular dystrophy (TMD). Also called: Udd Distal Myopathy – Tibial Muscular Dystrophy; UDD MYOPATHY; Tibial muscular dystrophy, tardive. Identifiers: Orphanet 609, MedGen C1838244, MONDO:0010870, OMIM 600334.

Allele frequency attached by ClinVar (database versions not stated): ExAC 0.00019; TOPMed 0.00026; gnomAD 0.00030 and 0.00031; ESP Exome Variant Server 0.00041.
gnomAD v4.1: 715 of 1,611,788 alleles (0.044%); highest among the groups gnomAD compares: Non-Finnish European, 0.056%; no homozygotes.

Submissions (19):

CeGaT Center for Human Genetics Tuebingen
Classification: Likely benign. Last evaluated: 2026-08-01. Review status: criteria provided, single submitter. Criteria: CeGaT Center For Human Genetics Tuebingen Variant Classification Criteria Version 2. Collection method: clinical testing. Allele origin: germline. Affected: yes. Observed: 3 variant alleles.
Comment: TTN: BP4, BP7

Labcorp Genetics (formerly Invitae), Labcorp
Classification: Likely benign for Dilated cardiomyopathy 1G; Autosomal recessive limb-girdle muscular dystrophy type 2J. Last evaluated: 2026-01-19. Review status: criteria provided, single submitter. Criteria: Invitae Variant Classification Sherloc (09022015). Collection method: clinical testing. Allele origin: germline.

Women's Health and Genetics/Laboratory Corporation of America, LabCorp
Classification: Likely benign. Last evaluated: 2025-09-03. Review status: criteria provided, single submitter. Criteria: LabCorp Variant Classification Summary - May 2015. Collection method: clinical testing. Allele origin: germline.

PreventionGenetics, part of Exact Sciences
Classification: Likely benign for TTN-related condition. Last evaluated: 2025-08-18. Review status: criteria provided, single submitter. Criteria: ACMG Guidelines, 2015. Collection method: clinical testing. Allele origin: germline.
Comment: This variant is classified as likely benign based on ACMG/AMP sequence variant interpretation guidelines (Richards et al. 2015 PMID: 25741868, with internal and published modifications).

Molecular Diagnostic Laboratory for Inherited Cardiovascular Disease, Montreal Heart Institute
Classification: Benign. Last evaluated: 2025-04-09. Review status: criteria provided, single submitter. Criteria: ACMG Guidelines, 2015. Collection method: clinical testing. Allele origin: germline. Affected: no.

Blueprint Genetics
Classification: Likely benign. Last evaluated: 2024-10-17. Review status: criteria provided, single submitter. Criteria: ACMG Guidelines, 2015. Collection method: clinical testing. Allele origin: germline.

GeneDx
Classification: Likely benign. Last evaluated: 2021-02-23. Review status: criteria provided, single submitter. Criteria: GeneDx Variant Classification Process June 2021. Collection method: clinical testing. Allele origin: germline. Affected: yes.

ARUP Laboratories, Molecular Genetics and Genomics, ARUP Laboratories
Classification: Likely benign. Last evaluated: 2020-05-05. Review status: criteria provided, single submitter. Criteria: ARUP Molecular Germline Variant Investigation Process. Collection method: clinical testing. Allele origin: germline.

Illumina Laboratory Services, Illumina
Classification: Uncertain significance for Early-onset myopathy with fatal cardiomyopathy. Last evaluated: 2018-01-13. Review status: criteria provided, single submitter. Criteria: ICSL Variant Classification Criteria 13 December 2019. Collection method: clinical testing. Allele origin: germline.

Illumina Laboratory Services, Illumina
Classification: Benign for Tibial muscular dystrophy. Last evaluated: 2018-01-13. Review status: criteria provided, single submitter. Criteria: ICSL Variant Classification Criteria 13 December 2019. Collection method: clinical testing. Allele origin: germline.
Comment: This variant was observed in the ICSL laboratory as part of a predisposition screen in an ostensibly healthy population. It had not been previously curated by ICSL or reported in the Human Gene Mutation Database (HGMD: prior to June 1st, 2018), and was therefore a candidate for classification through an automated scoring system. Utilizing variant allele frequency, disease prevalence and penetrance estimates, and inheritance mode, an automated score was calculated to assess if this variant is too frequent to cause the disease. Based on the score and internal cut-off values, a variant classified as benign is not then subjected to further curation. The score for this variant resulted in a classification of benign for this disease.

Illumina Laboratory Services, Illumina
Classification: Benign for Myopathy, myofibrillar, 9, with early respiratory failure. Last evaluated: 2018-01-13. Review status: criteria provided, single submitter. Criteria: ICSL Variant Classification Criteria 13 December 2019. Collection method: clinical testing. Allele origin: germline.
Comment: the same text as in the submission from Illumina Laboratory Services, Illumina above.

Illumina Laboratory Services, Illumina
Classification: Uncertain significance for Dilated cardiomyopathy 1G. Last evaluated: 2018-01-13. Review status: criteria provided, single submitter. Criteria: ICSL Variant Classification Criteria 13 December 2019. Collection method: clinical testing. Allele origin: germline.

Illumina Laboratory Services, Illumina
Classification: Uncertain significance for Autosomal recessive limb-girdle muscular dystrophy type 2J. Last evaluated: 2018-01-13. Review status: criteria provided, single submitter. Criteria: ICSL Variant Classification Criteria 13 December 2019. Collection method: clinical testing. Allele origin: germline.

CHEO Genetics Diagnostic Laboratory, Children's Hospital of Eastern Ontario
Classification: Benign for Cardiomyopathy. Last evaluated: 2017-11-29. Review status: criteria provided, single submitter. Criteria: ACMG Guidelines, 2015. Collection method: clinical testing. Allele origin: germline.

Eurofins Ntd Llc (ga)
Classification: Uncertain significance. Last evaluated: 2017-05-24. Review status: criteria provided, single submitter. Criteria: EGL Classification Definitions 2015. Collection method: clinical testing. Allele origin: germline. Observed: 6 variant alleles, 6 heterozygotes.

Clinical Genetics DNA and cytogenetics Diagnostics Lab, Erasmus MC, Erasmus Medical Center
Classification: Likely benign. Review status: no assertion criteria provided. Collection method: clinical testing. Allele origin: germline. Affected: yes. Study: VKGL Data-share Consensus. Not counted in ClinVar's aggregate classification.

Clinical Genetics, Academic Medical Center
Classification: Benign. Review status: no assertion criteria provided. Collection method: clinical testing. Allele origin: germline. Affected: yes. Study: VKGL Data-share Consensus. Not counted in ClinVar's aggregate classification.

Diagnostic Laboratory, Department of Genetics, University Medical Center Groningen
Classification: Likely benign. Review status: no assertion criteria provided. Collection method: clinical testing. Allele origin: germline. Affected: yes. Study: VKGL Data-share Consensus. Not counted in ClinVar's aggregate classification.

Joint Genome Diagnostic Labs from Nijmegen and Maastricht, Radboudumc and MUMC+
Classification: Benign. Review status: no assertion criteria provided. Collection method: clinical testing. Allele origin: germline. Affected: yes. Study: VKGL Data-share Consensus. Not counted in ClinVar's aggregate classification.